The following is an entry in ClinVar:

ClinVar aggregate classification (germline): Uncertain significance. Review status: criteria provided, multiple submitters, no conflicts (2 of 4 stars). 2 submissions from 2 submitters: Uncertain significance (2). Last evaluated 2026-03-17.

Conditions:
DICER1-related tumor predisposition. Also called: DICER1 syndrome; DICER1-related pleuropulmonary blastoma cancer predisposition syndrome. Identifiers: Orphanet 284343, MedGen C3839822, MONDO:0100216.
Hereditary cancer-predisposing syndrome. Also called: Tumor predisposition; Hereditary Cancer Syndrome; Neoplastic Syndromes, Hereditary; Hereditary neoplastic syndrome. Identifiers: Orphanet 140162, MedGen C0027672, MeSH D009386, MONDO:0015356.

Submissions (2):

Ambry Genetics
Classification: Uncertain significance for Hereditary cancer-predisposing syndrome. Last evaluated: 2026-03-17. Review status: criteria provided, single submitter. Criteria: Ambry Variant Classification Scheme 2023. Collection method: clinical testing. Allele origin: germline.
Comment: The p.C1641G variant (also known as c.4921T>G), located in coding exon 22 of the DICER1 gene, results from a T to G substitution at nucleotide position 4921. The cysteine at codon 1641 is replaced by glycine, an amino acid with highly dissimilar properties. This amino acid position is conserved. In addition, the in silico prediction for this alteration is inconclusive. Based on the available evidence, the clinical significance of this variant remains unclear.

Labcorp Genetics (formerly Invitae), Labcorp
Classification: Uncertain significance for DICER1-related tumor predisposition. Last evaluated: 2024-03-25. Review status: criteria provided, single submitter. Criteria: Invitae Variant Classification Sherloc (09022015). Collection method: clinical testing. Allele origin: germline.
Comment: This sequence change replaces cysteine, which is neutral and slightly polar, with glycine, which is neutral and non-polar, at codon 1641 of the DICER1 protein (p.Cys1641Gly). This variant is not present in population databases (gnomAD no frequency). This variant has not been reported in the literature in individuals affected with DICER1-related conditions. ClinVar contains an entry for this variant (Variation ID: 572272). Advanced modeling of protein sequence and biophysical properties (such as structural, functional, and spatial information, amino acid conservation, physicochemical variation, residue mobility, and thermodynamic stability) performed at Invitae indicates that this missense variant is not expected to disrupt DICER1 protein function with a negative predictive value of 80%. In summary, the available evidence is currently insufficient to determine the role of this variant in disease. Therefore, it has been classified as a Variant of Uncertain Significance.

NM_177438.3(DICER1):c.4921T>G (p.Cys1641Gly)

Gene: DICER1 (dicer 1, ribonuclease III; minus strand). Cytogenetic location: 14q32.13.
Variant type: single nucleotide variant.
Coding change: c.4921T>G on transcript NM_177438.3 (MANE Select); coding-DNA position 4921, T replaced by G.
Protein change: p.Cys1641Gly; replaces cysteine 1641 with glycine.
Molecular consequence: missense variant.
Genome position (GRCh38, 1-based): chr14:95,095,999, A>C on the plus strand (T>G on the coding strand, the complement: DICER1 is on the minus strand). VCF-style: chr14-95095999-A-C. GRCh37 (hg19) VCF-style: chr14-95562336-A-C.
Other names: c.4921T>G, p.Cys1641Gly (NM_001195573.1, NM_001271282.3, NM_001291628.2 and 1 more transcripts); short protein forms C1641G.
Identifiers: ClinVar variation 572272 (VCV000572272.12), dbSNP rs1566754007, ClinGen allele CA390866309.